The following is an entry in ClinVar:

NM_198578.4(LRRK2):c.5266G>T (p.Asp1756Tyr)

Gene: LRRK2 (leucine rich repeat kinase 2; plus strand). Cytogenetic location: 12q12.
Variant type: single nucleotide variant.
Coding change: c.5266G>T on transcript NM_198578.4 (MANE Select); coding-DNA position 5266, G replaced by T.
Protein change: p.Asp1756Tyr; replaces aspartic acid 1756 with tyrosine.
Molecular consequence: missense variant.
Genome position (GRCh38, 1-based): chr12:40,322,130, G>T. VCF-style: chr12-40322130-G-T. GRCh37 (hg19) VCF-style: chr12-40715932-G-T.
Other names: short protein forms D1756Y.
Identifiers: ClinVar variation 4709933 (VCV004709933.1).

ClinVar aggregate classification (germline): Uncertain significance (1 of 4 stars; one submission).

Conditions:
Autosomal dominant Parkinson disease 8. Also called: Parkinson disease 8, susceptibility to; LRRK2-Related Parkinson Disease; Parkinson disease 8. Identifiers: Orphanet 411602, MedGen C1846862, MONDO:0011764, OMIM 607060.

gnomAD v4.1: 6 of 1,612,888 alleles (0.00037%); highest among the groups gnomAD compares: East Asian, 0.013%; no homozygotes.

Submission:

Labcorp Genetics (formerly Invitae), Labcorp
Classification: Uncertain significance for Autosomal dominant Parkinson disease 8. Last evaluated: 2025-06-06. Review status: criteria provided, single submitter. Criteria: Invitae Variant Classification Sherloc (09022015). Collection method: clinical testing. Allele origin: germline.
Comment: This sequence change replaces aspartic acid, which is acidic and polar, with tyrosine, which is neutral and polar, at codon 1756 of the LRRK2 protein (p.Asp1756Tyr). The frequency data for this variant in the population databases is considered unreliable, as metrics indicate poor data quality at this position in the gnomAD database. This missense change has been observed in individual(s) with Parkinson disease (PMID: 24565865, 35861376). Invitae Evidence Modeling of protein sequence and biophysical properties (such as structural, functional, and spatial information, amino acid conservation, physicochemical variation, residue mobility, and thermodynamic stability) indicates that this missense variant is not expected to disrupt LRRK2 protein function with a negative predictive value of 80%. In summary, the available evidence is currently insufficient to determine the role of this variant in disease. Therefore, it has been classified as a Variant of Uncertain Significance.

Literature cited by the submitters: PubMed 24565865; PubMed 35861376.